The following is an entry in ClinVar:

ClinVar aggregate classification (germline): Likely pathogenic (1 of 4 stars; one submission).

Conditions:
Holocarboxylase synthetase deficiency. Also called: MULTIPLE CARBOXYLASE DEFICIENCY, EARLY ONSET. Identifiers: Orphanet 79242, MedGen C0268581, MONDO:0009666, OMIM 253270.

Submission:

Myriad Genetics, Inc.
Classification: Likely pathogenic for Holocarboxylase synthetase deficiency. Last evaluated: 2020-02-14. Review status: criteria provided, single submitter. Criteria: Myriad Women's Health Autosomal Recessive and X-Linked Classification Criteria (2019). Collection method: clinical testing. Allele origin: unknown.
Comment: NM_000411.6(HLCS):c.101C>A(S34*) is expected to be pathogenic in the context of holocarboxylase synthetase deficiency. This variant is predicted to lead to an abnormal or absent protein product due to the creation of a premature termination codon in HLCS, a gene where loss-of-function variants are known to be pathogenic. Please note: this variant was assessed in the context of healthy population screening.

NM_001352514.2(HLCS):c.542C>A (p.Ser181Ter)

Gene: HLCS (holocarboxylase synthetase; minus strand). Cytogenetic location: 21q22.13.
Variant type: single nucleotide variant.
Coding change: c.542C>A on transcript NM_001352514.2 (MANE Select); coding-DNA position 542, C replaced by A.
Protein change: p.Ser181Ter; replaces serine 181 with a stop codon.
Molecular consequence: nonsense. On other transcripts: non-coding transcript variant (2).
Genome position (GRCh38, 1-based): chr21:36,937,344, G>T on the plus strand (C>A on the coding strand, the complement: HLCS is on the minus strand). VCF-style: chr21-36937344-G-T. GRCh37 (hg19) VCF-style: chr21-38309644-G-T.
Other names: c.101C>A, p.Ser34Ter (NM_000411.8, NM_001242784.3, NM_001242785.2 and 4 more transcripts); short protein forms S181*, S34*.
Identifiers: ClinVar variation 984059 (VCV000984059.3), dbSNP rs2066942076, ClinGen allele CA409914055.